The following is an entry in ClinVar:

ClinVar aggregate classification (germline): Uncertain significance (1 of 4 stars; one submission).

Allele frequency attached by ClinVar (database versions not stated): gnomAD 0.00001.
gnomAD v4.1: 1 of 1,614,052 alleles (0.000062%); highest among the groups gnomAD compares: Non-Finnish European, 0.000085%; no homozygotes.

Submission:

Labcorp Genetics (formerly Invitae), Labcorp
Classification: Uncertain significance. Last evaluated: 2024-05-22. Review status: criteria provided, single submitter. Criteria: Invitae Variant Classification Sherloc (09022015). Collection method: clinical testing. Allele origin: germline.
Comment: This sequence change replaces serine, which is neutral and polar, with arginine, which is basic and polar, at codon 4208 of the KMT2C protein (p.Ser4208Arg). This variant is present in population databases (no rsID available, gnomAD 0.007%). This variant has not been reported in the literature in individuals affected with KMT2C-related conditions. ClinVar contains an entry for this variant (Variation ID: 2110961). An algorithm developed to predict the effect of missense changes on protein structure and function (PolyPhen-2) suggests that this variant is likely to be tolerated. In summary, the available evidence is currently insufficient to determine the role of this variant in disease. Therefore, it has been classified as a Variant of Uncertain Significance.

NM_170606.3(KMT2C):c.12624T>A (p.Ser4208Arg)

Gene: KMT2C (lysine methyltransferase 2C; minus strand). Cytogenetic location: 7q36.1.
Variant type: single nucleotide variant.
Coding change: c.12624T>A on transcript NM_170606.3 (MANE Select); coding-DNA position 12624, T replaced by A.
Protein change: p.Ser4208Arg; replaces serine 4208 with arginine.
Molecular consequence: missense variant.
Genome position (GRCh38, 1-based): chr7:152,151,484, A>T on the plus strand (T>A on the coding strand, the complement: KMT2C is on the minus strand). VCF-style: chr7-152151484-A-T. GRCh37 (hg19) VCF-style: chr7-151848569-A-T.
Other names: short protein forms S4208R.
Identifiers: ClinVar variation 2110961 (VCV002110961.4), dbSNP rs1352976610, ClinGen allele CA370094470.